The following is an entry in ClinVar:

ClinVar aggregate classification (germline): Uncertain significance (1 of 4 stars; one submission).

Conditions:
Rhabdoid tumor predisposition syndrome 2 (RTPS2). Identifiers: Orphanet 231108, Orphanet 69077, MedGen C2750074, MONDO:0013224, OMIM 613325.

Allele frequency attached by ClinVar (database versions not stated): TOPMed below 0.00001.
gnomAD v4.1: 1 of 1,608,336 alleles (0.000062%); highest among the groups gnomAD compares: Non-Finnish European, 0.000085%; no homozygotes.

Submission:

Labcorp Genetics (formerly Invitae), Labcorp
Classification: Uncertain significance for Rhabdoid tumor predisposition syndrome 2. Last evaluated: 2021-09-19. Review status: criteria provided, single submitter. Criteria: Invitae Variant Classification Sherloc (09022015). Collection method: clinical testing. Allele origin: germline.
Comment: In summary, the available evidence is currently insufficient to determine the role of this variant in disease. Therefore, it has been classified as a Variant of Uncertain Significance. Studies have shown that this variant is associated with altered splicing, but the impact on the resulting protein product is unknown (Invitae). This variant has not been reported in the literature in individuals affected with SMARCA4-related conditions. This sequence change falls in intron 32 of the SMARCA4 gene. It does not directly change the encoded amino acid sequence of the SMARCA4 protein. This variant is not present in population databases (ExAC no frequency).

NM_003072.5(SMARCA4):c.4534-9C>G

Gene: SMARCA4 (SWI/SNF related BAF chromatin remodeling complex subunit ATPase 4; plus strand). Cytogenetic location: 19p13.2.
Variant type: single nucleotide variant.
Coding change: c.4534-9C>G on transcript NM_003072.5 (MANE Select); 9 bases into the intron before coding-DNA position 4534, C replaced by G.
Molecular consequence: intron variant.
Genome position (GRCh38, 1-based): chr19:11,058,779, C>G. VCF-style: chr19-11058779-C-G. GRCh37 (hg19) VCF-style: chr19-11169455-C-G.
Other names: c.4534-9C>G (NM_001128844.3); c.4630-9C>G (NM_001128849.3, NM_001387283.1); c.4435-9C>G (NM_001128847.4, NM_001374457.1); c.4444-9C>G (NM_001128845.2); c.4441-9C>G (NM_001128846.2); c.4432-9C>G (NM_001128848.2).
Identifiers: ClinVar variation 1444111 (VCV001444111.6), dbSNP rs1271762916, ClinGen allele CA993520694.